The following is an entry in ClinVar:

NM_000441.2(SLC26A4):c.486C>T (p.Leu162=)

Gene: SLC26A4 (solute carrier family 26 member 4; plus strand). Cytogenetic location: 7q22.3.
Variant type: single nucleotide variant.
Coding change: c.486C>T on transcript NM_000441.2 (MANE Select); coding-DNA position 486, C replaced by T.
Protein change: p.Leu162=; no amino-acid change (leucine 162 retained).
Molecular consequence: synonymous variant.
Genome position (GRCh38, 1-based): chr7:107,674,234, C>T. VCF-style: chr7-107674234-C-T. GRCh37 (hg19) VCF-style: chr7-107314679-C-T.
Identifiers: ClinVar variation 667159 (VCV000667159.21), dbSNP rs370020280, ClinGen allele CA4432491.

ClinVar aggregate classification (germline): Conflicting classifications of pathogenicity. Review status: criteria provided, conflicting classifications (1 of 4 stars). 7 submissions from 5 submitters: Uncertain significance (2); Likely benign (4). 1 of the submissions does not count toward it. Last evaluated 2025-09-10.

Conditions:
Pendred syndrome (PDS). Also called: Pendred Syndrome (PDS); Pendred's syndrome; THYROID DYSHORMONOGENESIS 2B; THYROID HORMONOGENESIS, GENETIC DEFECT IN, 2B; DEAFNESS WITH GOITER; GOITER-DEAFNESS SYNDROME. Identifiers: Orphanet 705, MedGen C0271829, MONDO:0010134, OMIM 274600.
Autosomal recessive nonsyndromic hearing loss 4 (DFNB4). Also called: NEUROSENSORY NONSYNDROMIC RECESSIVE DEAFNESS 4; Deafness, autosomal recessive 4; Enlarged vestibular aqueduct, digenic; FOXI1-Related Pendred Syndrome; KCNJ10-Related Pendred Syndrome; DEAFNESS, AUTOSOMAL RECESSIVE 4, WITH ENLARGED VESTIBULAR AQUEDUCT, DIGENIC. Identifiers: Orphanet 90636, MedGen C3538946, MONDO:0010933, OMIM 600791.

gnomAD v4.1: 31 of 1,614,036 alleles (0.0019%); highest among the groups gnomAD compares: Middle Eastern, 0.066%; no homozygotes.

Submissions (7):

Labcorp Genetics (formerly Invitae), Labcorp
Classification: Likely benign. Last evaluated: 2025-09-10. Review status: criteria provided, single submitter. Criteria: Invitae Variant Classification Sherloc (09022015). Collection method: clinical testing. Allele origin: germline.

Genome-Nilou Lab
Classification: Likely benign for Autosomal recessive nonsyndromic hearing loss 4. Last evaluated: 2021-09-05. Review status: criteria provided, single submitter. Criteria: ACMG Guidelines, 2015. Collection method: clinical testing. Allele origin: germline. Affected: no.

Genome-Nilou Lab
Classification: Likely benign for Pendred syndrome. Last evaluated: 2021-09-05. Review status: criteria provided, single submitter. Criteria: ACMG Guidelines, 2015. Collection method: clinical testing. Allele origin: germline. Affected: no.

Laboratory for Molecular Medicine, Mass General Brigham Personalized Medicine
Classification: Likely benign. Last evaluated: 2018-02-13. Review status: criteria provided, single submitter. Criteria: LMM Criteria. Collection method: clinical testing. Allele origin: germline. Observed: 1 variant allele.
Comment: p.Leu162Leu in exon 5 of SLC26A4: This variant is not expected to have clinical significance because it does not alter an amino acid residue, is not located wit hin the splice consensus sequence and splice prediction algorithms do not predic t a newly created splice site. It has been identified in 0.01% (2/16512) of Sout h Asian chromosomes by the Exome Aggregation Consortium (ExAC; dbSNP rs370020280).

Illumina Laboratory Services, Illumina
Classification: Uncertain significance for Autosomal recessive nonsyndromic hearing loss 4. Last evaluated: 2018-01-13. Review status: criteria provided, single submitter. Criteria: ICSL Variant Classification Criteria 13 December 2019. Collection method: clinical testing. Allele origin: germline.

Illumina Laboratory Services, Illumina
Classification: Uncertain significance for Pendred syndrome. Last evaluated: 2018-01-13. Review status: criteria provided, single submitter. Criteria: ICSL Variant Classification Criteria 13 December 2019. Collection method: clinical testing. Allele origin: germline.

Natera, Inc.
Classification: Likely benign for Pendred syndrome. Last evaluated: 2021-10-01. Review status: no assertion criteria provided. Collection method: clinical testing. Allele origin: germline. Not counted in ClinVar's aggregate classification.